The following is an entry in ClinVar:

ClinVar aggregate classification (germline): Likely benign (1 of 4 stars; one submission).

Allele frequency attached by ClinVar (database versions not stated): 1000 Genomes Project 30x 0.00297; 1000 Genomes Project 0.00319; TOPMed 0.00385; gnomAD 0.00393; ExAC 0.00408; ESP Exome Variant Server 0.00477.
gnomAD v4.1: 7,779 of 1,614,172 alleles (0.48%); highest among the groups gnomAD compares: Middle Eastern, 1.9%; 27 homozygotes.

Submissions (12):

CeGaT Center for Human Genetics Tuebingen
Classification: Likely benign. Last evaluated: 2024-01-01. Review status: criteria provided, single submitter. Criteria: CeGaT Center For Human Genetics Tuebingen Variant Classification Criteria Version 2. Collection method: clinical testing. Allele origin: germline. Affected: yes. Observed: 1 variant allele.
Comment: B4GALNT3: BS2

Dr. Peter K. Rogan Lab, Western University
No classification provided (evidence only). Condition: Malignant tumor of urinary bladder. Review status: no classification provided. Collection method: in vitro. Allele origin: not applicable. Functional consequence: retained intron. Not counted in ClinVar's aggregate classification.

Dr. Peter K. Rogan Lab, Western University
No classification provided (evidence only). Condition: Familial cancer of breast. Review status: no classification provided. Collection method: in vitro. Allele origin: not applicable. Functional consequence: retained intron. Not counted in ClinVar's aggregate classification.

Dr. Peter K. Rogan Lab, Western University
No classification provided (evidence only). Condition: Colon adenocarcinoma. Review status: no classification provided. Collection method: in vitro. Allele origin: not applicable. Functional consequence: retained intron. Not counted in ClinVar's aggregate classification.

Dr. Peter K. Rogan Lab, Western University
No classification provided (evidence only). Condition: Uterine corpus endometrial carcinoma. Review status: no classification provided. Collection method: in vitro. Allele origin: not applicable. Functional consequence: retained intron. Not counted in ClinVar's aggregate classification.

Dr. Peter K. Rogan Lab, Western University
No classification provided (evidence only). Condition: Gastric cancer. Review status: no classification provided. Collection method: in vitro. Allele origin: not applicable. Functional consequence: retained intron. Not counted in ClinVar's aggregate classification.

Dr. Peter K. Rogan Lab, Western University
No classification provided (evidence only). Condition: Gastric cancer. Review status: no classification provided. Collection method: in vitro. Allele origin: not applicable. Functional consequence: retained intron. Not counted in ClinVar's aggregate classification.

Dr. Peter K. Rogan Lab, Western University
No classification provided (evidence only). Condition: Gastric cancer. Review status: no classification provided. Collection method: in vitro. Allele origin: not applicable. Functional consequence: retained intron. Not counted in ClinVar's aggregate classification.

Dr. Peter K. Rogan Lab, Western University
No classification provided (evidence only). Condition: Malignant tumor of esophagus. Review status: no classification provided. Collection method: in vitro. Allele origin: not applicable. Functional consequence: retained intron. Not counted in ClinVar's aggregate classification.

Dr. Peter K. Rogan Lab, Western University
No classification provided (evidence only). Condition: Malignant tumor of esophagus. Review status: no classification provided. Collection method: in vitro. Allele origin: not applicable. Functional consequence: skipped exon, retained intron. Not counted in ClinVar's aggregate classification.

Dr. Peter K. Rogan Lab, Western University
No classification provided (evidence only). Condition: Malignant tumor of esophagus. Review status: no classification provided. Collection method: in vitro. Allele origin: not applicable. Functional consequence: skipped exon, retained intron. Not counted in ClinVar's aggregate classification.

Dr. Peter K. Rogan Lab, Western University
No classification provided (evidence only). Condition: Malignant tumor of esophagus. Review status: no classification provided. Collection method: in vitro. Allele origin: not applicable. Functional consequence: retained intron. Not counted in ClinVar's aggregate classification.

NM_173593.4(B4GALNT3):c.2660G>C (p.Gly887Ala)

Gene: B4GALNT3 (beta-1,4-N-acetyl-galactosaminyltransferase 3; plus strand). Cytogenetic location: 12p13.33.
Variant type: single nucleotide variant.
Coding change: c.2660G>C on transcript NM_173593.4 (MANE Select); coding-DNA position 2660, G replaced by C.
Protein change: p.Gly887Ala; replaces glycine 887 with alanine.
Molecular consequence: missense variant.
Genome position (GRCh38, 1-based): chr12:558,560, G>C. VCF-style: chr12-558560-G-C. GRCh37 (hg19) VCF-style: chr12-667726-G-C.
Other names: NC_000012.11:g.667726G>C; short protein forms G887A.
Identifiers: ClinVar variation 3024830 (VCV003024830.23), dbSNP rs61730392, ClinGen allele CA6381326.